The following is an entry in ClinVar:

NM_004360.5(CDH1):c.2164+1G>A

Gene: CDH1 (cadherin 1; plus strand). Cytogenetic location: 16q22.1.
Variant type: single nucleotide variant.
Coding change: c.2164+1G>A on transcript NM_004360.5 (MANE Select); the canonical splice donor site of the intron after coding-DNA position 2164, G replaced by A.
Molecular consequence: splice donor variant.
Genome position (GRCh38, 1-based): chr16:68,823,627, G>A. VCF-style: chr16-68823627-G-A. GRCh37 (hg19) VCF-style: chr16-68857530-G-A.
Other names: c.616+1G>A (NM_001317185.2); c.199+1G>A (NM_001317186.2); c.1981+1G>A (NM_001317184.2).
Identifiers: ClinVar variation 2584222 (VCV002584222.2), dbSNP rs1961238458, ClinGen allele CA396467974.

ClinVar aggregate classification (germline): Likely pathogenic (1 of 4 stars; one submission).

Conditions:
Hereditary diffuse gastric adenocarcinoma (HDGC). Also called: DIFFUSE GASTRIC AND LOBULAR BREAST CANCER SYNDROME. Identifiers: Orphanet 26106, MedGen C1708349, MONDO:0007648, OMIM 137215.

Submission:

Myriad Genetics, Inc.
Classification: Likely pathogenic for Hereditary diffuse gastric adenocarcinoma. Last evaluated: 2023-06-15. Review status: criteria provided, single submitter. Criteria: Myriad Autosomal Dominant, Autosomal Recessive and X-Linked Classification Criteria (2023). Collection method: clinical testing. Allele origin: unknown.
Comment: This variant is considered likely pathogenic. This variant occurs within a consensus splice junction and is predicted to result in abnormal mRNA splicing of either an out-of-frame exon or an in-frame exon necessary for protein stability and/or normal function.